The following is an entry in ClinVar:

ClinVar aggregate classification (germline): Uncertain significance. Review status: criteria provided, multiple submitters, no conflicts (2 of 4 stars). 2 submissions from 2 submitters: Uncertain significance (2). Last evaluated 2025-02-04.

Conditions:
Inborn genetic diseases. Identifiers: MedGen C0950123, MeSH D030342.

Allele frequency attached by ClinVar (database versions not stated): gnomAD 0.00002 and 0.00003; TOPMed 0.00002; gnomAD exomes 0.00003 and 0.00006; ExAC 0.00008.
gnomAD v4.1: 53 of 1,614,230 alleles (0.0033%); highest among the groups gnomAD compares: South Asian, 0.022%; no homozygotes.

Submissions (2):

Labcorp Genetics (formerly Invitae), Labcorp
Classification: Uncertain significance. Last evaluated: 2025-02-04. Review status: criteria provided, single submitter. Criteria: Invitae Variant Classification Sherloc (09022015). Collection method: clinical testing. Allele origin: germline.
Comment: This sequence change replaces arginine, which is basic and polar, with glutamine, which is neutral and polar, at codon 1077 of the CTR9 protein (p.Arg1077Gln). This variant is present in population databases (rs758492695, gnomAD 0.02%). This variant has not been reported in the literature in individuals affected with CTR9-related conditions. ClinVar contains an entry for this variant (Variation ID: 1444840). An algorithm developed to predict the effect of missense changes on protein structure and function (PolyPhen-2) suggests that this variant is likely to be tolerated. In summary, the available evidence is currently insufficient to determine the role of this variant in disease. Therefore, it has been classified as a Variant of Uncertain Significance.

Ambry Genetics
Classification: Uncertain significance for Inborn genetic diseases. Last evaluated: 2024-02-17. Review status: criteria provided, single submitter. Criteria: Ambry Variant Classification Scheme 2023. Collection method: clinical testing. Allele origin: germline.

NM_014633.5(CTR9):c.3230G>A (p.Arg1077Gln)

Gene: CTR9 (CTR9 component of Paf1/RNA polymerase II complex; plus strand). Cytogenetic location: 11p15.4.
Variant type: single nucleotide variant.
Coding change: c.3230G>A on transcript NM_014633.5 (MANE Select); coding-DNA position 3230, G replaced by A.
Protein change: p.Arg1077Gln; replaces arginine 1077 with glutamine.
Molecular consequence: missense variant.
Genome position (GRCh38, 1-based): chr11:10,778,813, G>A. VCF-style: chr11-10778813-G-A. GRCh37 (hg19) VCF-style: chr11-10800360-G-A.
Other names: c.3158G>A, p.Arg1053Gln (NM_001346279.2); c.3230G>A (NM_014633.3); short protein forms R1053Q, R1077Q.
Identifiers: ClinVar variation 1444840 (VCV001444840.9), dbSNP rs758492695, ClinGen allele CA5885547.
Genomic context (GRCh38, chr11:10,778,813, plus strand): 5'-GTGATTCCGATGAGAACCAGAACAAGTCTGGCAGCGAGGCCGGCAGTCCCCGGAGGCCAC[G>A]AAGACAGCGGTCAGATCAGGACTCAGACAGTGACCAGCCATCCAGAAAGAGAAGGCCCTC-3'
Protein context (NP_055448.1, residues 1067-1087): GSEAGSPRRP[Arg1077Gln]RQRSDQDSDS